The following is an entry in ClinVar:

ClinVar aggregate classification (germline): Likely pathogenic (1 of 4 stars; one submission).

Conditions:
Primary ciliary dyskinesia. Also called: Ciliary dyskinesia. Identifiers: Orphanet 244, MedGen C0008780, MONDO:0016575, HP:0012265.

Submissions (2):

Labcorp Genetics (formerly Invitae), Labcorp
Classification: Likely pathogenic for Primary ciliary dyskinesia. Last evaluated: 2025-03-07. Review status: criteria provided, single submitter. Criteria: Invitae Variant Classification Sherloc (09022015). Collection method: clinical testing. Allele origin: germline.
Comment: This sequence change affects a donor splice site in intron 1 of the RSPH1 gene. It is expected to disrupt RNA splicing. Variants that disrupt the donor or acceptor splice site typically lead to a loss of protein function (PMID: 16199547), and loss-of-function variants in RSPH1 are known to be pathogenic (PMID: 23993197). This variant is not present in population databases (gnomAD no frequency). This variant has not been reported in the literature in individuals affected with RSPH1-related conditions. Algorithms developed to predict the effect of sequence changes on RNA splicing suggest that this variant may disrupt the consensus splice site. In summary, the currently available evidence indicates that the variant is pathogenic, but additional data are needed to prove that conclusively. Therefore, this variant has been classified as Likely Pathogenic.

Dr. Peter K. Rogan Lab, Western University
No classification provided (evidence only). Condition: Ovarian serous cystadenocarcinoma. Review status: no classification provided. Collection method: in vitro. Allele origin: not applicable. Functional consequence: retained intron. Not counted in ClinVar's aggregate classification.

Literature cited by the submitters: PubMed 16199547 (cited by Labcorp Genetics (formerly Invitae), Labcorp); PubMed 23993197 (cited by Labcorp Genetics (formerly Invitae), Labcorp).

NM_080860.4(RSPH1):c.54+2T>C

Gene: RSPH1 (radial spoke head component 1; minus strand). Cytogenetic location: 21q22.3.
Variant type: single nucleotide variant.
Coding change: c.54+2T>C on transcript NM_080860.4 (MANE Select); the canonical splice donor site of the intron after coding-DNA position 54, T replaced by C.
Molecular consequence: splice donor variant.
Genome position (GRCh38, 1-based): chr21:42,496,131, A>G on the plus strand (T>C on the coding strand, the complement: RSPH1 is on the minus strand). VCF-style: chr21-42496131-A-G. GRCh37 (hg19) VCF-style: chr21-43916241-A-G.
Other names: NC_000021.8:g.43916241A>G; c.54+2T>C (NM_001286506.2).
Identifiers: ClinVar variation 4454712 (VCV004454712.2).
Genomic context (GRCh38, chr21:42,496,131, plus strand): 5'-AACCTCGAGGTTCCCCCGCCGCTGCGCACCCTGGGAAGCCCTTTCTCACCAGGAGCTCTC[A>G]CCCCAATATCATTCTCTCCCTCCTCCTCCAACTCCTCCGAGCCCAGGTCCGACATGGTCT-3'